The following is an entry in ClinVar:

ClinVar aggregate classification (germline): Uncertain significance (1 of 4 stars; one submission).

Allele frequency attached by ClinVar (database versions not stated): ESP Exome Variant Server 0.00023.
gnomAD v4.1: 17 of 1,613,060 alleles (0.0011%); highest among the groups gnomAD compares: African/African-American, 0.013%; no homozygotes.

Submission:

Labcorp Genetics (formerly Invitae), Labcorp
Classification: Uncertain significance. Last evaluated: 2026-01-24. Review status: criteria provided, single submitter. Criteria: Invitae Variant Classification Sherloc (09022015). Collection method: clinical testing. Allele origin: germline.
Comment: This sequence change replaces valine, which is neutral and non-polar, with methionine, which is neutral and non-polar, at codon 3955 of the HSPG2 protein (p.Val3955Met). This variant is present in population databases (rs145155624, gnomAD 0.01%). This variant has not been reported in the literature in individuals affected with HSPG2-related conditions. ClinVar contains an entry for this variant (Variation ID: 1490241). An algorithm developed to predict the effect of missense changes on protein structure and function (PolyPhen-2) suggests that this variant is likely to be tolerated. In summary, the available evidence is currently insufficient to determine the role of this variant in disease. Therefore, it has been classified as a Variant of Uncertain Significance.

NM_005529.7(HSPG2):c.11863G>A (p.Val3955Met)

Gene: HSPG2 (heparan sulfate proteoglycan 2; minus strand). Cytogenetic location: 1p36.12.
Variant type: single nucleotide variant.
Coding change: c.11863G>A on transcript NM_005529.7 (MANE Select); coding-DNA position 11863, G replaced by A.
Protein change: p.Val3955Met; replaces valine 3955 with methionine.
Molecular consequence: missense variant.
Genome position (GRCh38, 1-based): chr1:21,829,512, C>T on the plus strand (G>A on the coding strand, the complement: HSPG2 is on the minus strand). VCF-style: chr1-21829512-C-T. GRCh37 (hg19) VCF-style: chr1-22156005-C-T.
Other names: c.11866G>A, p.Val3956Met (NM_001291860.2); short protein forms V3956M, V3955M.
Identifiers: ClinVar variation 1490241 (VCV001490241.8), dbSNP rs145155624, ClinGen allele CA669597.